The following is an entry in ClinVar:

NM_024496.4(IRF2BPL):c.372G>A (p.Gln124=)

Gene: IRF2BPL (interferon regulatory factor 2 binding protein like; minus strand). Cytogenetic location: 14q24.3.
Variant type: single nucleotide variant.
Coding change: c.372G>A on transcript NM_024496.4 (MANE Select); coding-DNA position 372, G replaced by A.
Protein change: p.Gln124=; no amino-acid change (glutamine 124 retained).
Molecular consequence: synonymous variant.
Genome position (GRCh38, 1-based): chr14:77,027,421, C>T on the plus strand (G>A on the coding strand, the complement: IRF2BPL is on the minus strand). VCF-style: chr14-77027421-C-T. GRCh37 (hg19) VCF-style: chr14-77493764-C-T.
Identifiers: ClinVar variation 3771074 (VCV003771074.13).
Genomic context (GRCh38, chr14:77,027,421, plus strand): 5'-AGACGGGGCCGCCAGCACCGCAGGCTTGCTGGAACCATCAACGTGGTTGAGCTGTTGTTG[C>T]TGCTGCTGCTGCTGCTGCTGCTGCTGCTGTTGCTGCTGCTGCTGCTGCTGTTGCTGTTGC-3'
Protein context (NP_078772.1, residues 114-134): QQQQQQQQQQ[Gln124=]QQQLNHVDGS

ClinVar aggregate classification (germline): Likely benign (1 of 4 stars; one submission).

Submission:

CeGaT Center for Human Genetics Tuebingen
Classification: Likely benign. Last evaluated: 2025-02-01. Review status: criteria provided, single submitter. Criteria: CeGaT Center For Human Genetics Tuebingen Variant Classification Criteria Version 2. Collection method: clinical testing. Allele origin: germline. Affected: yes. Observed: 1 variant allele.
Comment: IRF2BPL: BP4, BP7